The following is an entry in ClinVar:

NM_000285.4(PEPD):c.1317C>T (p.Val439=)

Gene: PEPD (peptidase D; minus strand). Cytogenetic location: 19q13.11.
Variant type: single nucleotide variant.
Coding change: c.1317C>T on transcript NM_000285.4 (MANE Select); coding-DNA position 1317, C replaced by T.
Protein change: p.Val439=; no amino-acid change (valine 439 retained).
Molecular consequence: synonymous variant.
Genome position (GRCh38, 1-based): chr19:33,387,917, G>A on the plus strand (C>T on the coding strand, the complement: PEPD is on the minus strand). VCF-style: chr19-33387917-G-A. GRCh37 (hg19) VCF-style: chr19-33878823-G-A.
Other names: c.1194C>T, p.Val398= (NM_001166056.2); c.1125C>T, p.Val375= (NM_001166057.2).
Identifiers: ClinVar variation 328788 (VCV000328788.36), dbSNP rs369183873, ClinGen allele CA9363924.

ClinVar aggregate classification (germline): Benign/Likely benign. Review status: criteria provided, multiple submitters, no conflicts (2 of 4 stars). 5 submissions from 5 submitters: Benign (2); Likely benign (2). 1 of the submissions does not count toward it. Last evaluated 2025-12-17.

Conditions:
PEPD-related disorder. Also called: PEPD-related condition.
Prolidase deficiency. Identifiers: Orphanet 742, MedGen C0268532, MONDO:0008221, OMIM 170100.

Allele frequency attached by ClinVar (database versions not stated): gnomAD 0.00001 and 0.00038; TOPMed 0.00008; gnomAD exomes 0.00062 and 0.00145; 1000 Genomes Project 0.00260; 1000 Genomes Project 30x 0.00265; ExAC 0.00476.
gnomAD v4.1: 957 of 1,587,200 alleles (0.06%); highest among the groups gnomAD compares: South Asian, 0.97%; 12 homozygotes.

Submissions (5):

Labcorp Genetics (formerly Invitae), Labcorp
Classification: Benign. Last evaluated: 2025-12-17. Review status: criteria provided, single submitter. Criteria: Invitae Variant Classification Sherloc (09022015). Collection method: clinical testing. Allele origin: germline.

CeGaT Center for Human Genetics Tuebingen
Classification: Likely benign. Last evaluated: 2024-12-01. Review status: criteria provided, single submitter. Criteria: CeGaT Center For Human Genetics Tuebingen Variant Classification Criteria Version 2. Collection method: clinical testing. Allele origin: germline. Affected: yes. Observed: 4 variant alleles.
Comment: PEPD: BS2

Blueprint Genetics
Classification: Likely benign. Last evaluated: 2024-11-17. Review status: criteria provided, single submitter. Criteria: ACMG Guidelines, 2015. Collection method: clinical testing. Allele origin: germline.

Illumina Laboratory Services, Illumina
Classification: Benign for Prolidase deficiency. Last evaluated: 2018-01-12. Review status: criteria provided, single submitter. Criteria: ICSL Variant Classification Criteria 13 December 2019. Collection method: clinical testing. Allele origin: germline.
Comment: This variant was observed in the ICSL laboratory as part of a predisposition screen in an ostensibly healthy population. It had not been previously curated by ICSL or reported in the Human Gene Mutation Database (HGMD: prior to June 1st, 2018), and was therefore a candidate for classification through an automated scoring system. Utilizing variant allele frequency, disease prevalence and penetrance estimates, and inheritance mode, an automated score was calculated to assess if this variant is too frequent to cause the disease. Based on the score and internal cut-off values, a variant classified as benign is not then subjected to further curation. The score for this variant resulted in a classification of benign for this disease.

PreventionGenetics, part of Exact Sciences
Classification: Benign for PEPD-related condition. Last evaluated: 2024-06-25. Review status: no assertion criteria provided. Collection method: clinical testing. Allele origin: germline. Not counted in ClinVar's aggregate classification.
Comment: This variant is classified as benign based on ACMG/AMP sequence variant interpretation guidelines (Richards et al. 2015 PMID: 25741868, with internal and published modifications).